The following is an entry in ClinVar:

ClinVar aggregate classification (germline): Likely benign. Review status: criteria provided, multiple submitters, no conflicts (2 of 4 stars). 3 submissions from 3 submitters: Likely benign (2). 1 of the submissions does not count toward it. Last evaluated 2025-08-18.

Conditions:
Isolated lutropin deficiency (HH23). Also called: FERTILE EUNUCH SYNDROME; Hypogonadotropic hypogonadism 23 with or without anosmia; HYPOGONADOTROPIC HYPOGONADISM 23 WITHOUT ANOSMIA; PASQUALINI SYNDROME. Identifiers: Orphanet 325448, MedGen C0271582, MONDO:0009223, OMIM 228300.
Variant of unknown significance. Identifiers: MedGen C2986382.

Allele frequency attached by ClinVar (database versions not stated): gnomAD 0.00034 and 0.00030; 1000 Genomes Project 0.00100; gnomAD exomes 0.00020 and 0.00063; TOPMed 0.00034; ExAC 0.00066; 1000 Genomes Project 30x 0.00125.

Submissions (3):

Labcorp Genetics (formerly Invitae), Labcorp
Classification: Likely benign. Last evaluated: 2025-08-18. Review status: criteria provided, single submitter. Criteria: Invitae Variant Classification Sherloc (09022015). Collection method: clinical testing. Allele origin: germline.

Victorian Clinical Genetics Services, Murdoch Childrens Research Institute
Classification: Likely benign for Isolated lutropin deficiency. Last evaluated: 2020-10-19. Review status: criteria provided, single submitter. Criteria: ACMG Guidelines, 2015. Collection method: clinical testing. Allele origin: germline. Inheritance: Autosomal recessive inheritance.
Comment: Based on the classification scheme VCGS_Germline_v1.3.3, this variant is classified as likely benign. Following criteria are met: 0102 - Loss of function is a known mechanism of disease in this gene and is associated with Hypogonadotropic hypogonadism 23 with or without anosmia (MIM #228300). (I) 0106 - This gene is associated with autosomal recessive disease. (I) 0200 - Variant is predicted to result in a missense amino acid change from glycine to serine. (I) 0251 - This variant is heterozygous. (I) 0308 - Population frequency for this variant is out of keeping with known incidence of Kallmann syndrome. The gnomAD frequency data is skewed towards the East Asian population, with 171 out of 174 heterozygous and 1 homozygote, being observed in this subpopulation. (SB) 0503 - Missense variant consistently predicted to be tolerated by multiple in silico tools or not conserved in placental mammals with a minor amino acid change. (SB) 0600 - Variant is located in the annotated cystine-knot domain (RCSB-PDB). (I) 0705 - No comparable missense variants have previous evidence for pathogenicity. (I) 0808 - Previous reports of pathogenicity for this variant are conflicting. This variant has one likely benign and one VUS entry in ClinVar. (I) 0905 - No published segregation evidence has been identified for this variant. (I) 1010 - Functional evidence for this variant is inconclusive. A competitive binding inhibition assay indicates that this variant causes lower receptor binding ability at high concentrations. Additionally, progesterone production was lower compared to wild-type (PMID: 12189497). 1208 - Inheritance information for this variant is not currently available in this individual. (I) Legend: (SP) - Supporting pathogenic, (I) - Information, (SB) - Supporting benign

OMIM
Classification: Uncertain significance for RECLASSIFIED - VARIANT OF UNKNOWN SIGNIFICANCE. Last evaluated: 2003-03-01. Review status: no assertion criteria provided. Collection method: literature only. Allele origin: germline. Not counted in ClinVar's aggregate classification.

Literature cited by the submitters: PubMed 1727547 (cited by Victorian Clinical Genetics Services, Murdoch Childrens Research Institute); PubMed 12189497 (cited by Victorian Clinical Genetics Services, Murdoch Childrens Research Institute and OMIM); PubMed 11384661 (cited by OMIM); PubMed 12620433 (cited by OMIM); PubMed 8979264 (cited by OMIM); PubMed 9457942 (cited by OMIM); PubMed 9694256 (cited by OMIM).

NM_000894.3(LHB):c.364G>A (p.Gly122Ser)

Gene: LHB (luteinizing hormone subunit beta; minus strand). Cytogenetic location: 19q13.33.
Variant type: single nucleotide variant.
Coding change: c.364G>A on transcript NM_000894.3 (MANE Select); coding-DNA position 364, G replaced by A.
Protein change: p.Gly122Ser; replaces glycine 122 with serine.
Molecular consequence: missense variant.
Genome position (GRCh38, 1-based): chr19:49,016,130, C>T on the plus strand (G>A on the coding strand, the complement: LHB is on the minus strand). VCF-style: chr19-49016130-C-T. GRCh37 (hg19) VCF-style: chr19-49519387-C-T.
Other names: G102S; short protein forms G122S.
Identifiers: ClinVar variation 14415 (VCV000014415.11), dbSNP rs5030774, ClinGen allele CA123937.
Genomic context (GRCh38, chr19:49,016,130, plus strand): 5'-AGAGGAAGAGGAGGCCTGAGAGTTGGGGGTGGTCACAGGTCAAGGGGTGGTCTTTGGGAC[C>T]CCCACAGTCAGAGGTGCTGCGGCGGCAGGGTCCACAGCGACAGCTGAGAGCCACAGGGAA-3'
Protein context (NP_000885.1, residues 112-132): PCRRSTSDCG[Gly122Ser]PKDHPLTCDH